The following is an entry in ClinVar:

ClinVar aggregate classification (germline): Uncertain significance (1 of 4 stars; one submission).

gnomAD v4.1: 8 of 1,613,708 alleles (0.0005%); highest among the groups gnomAD compares: Non-Finnish European, 0.00068%; no homozygotes.

Submission:

Ambry Genetics
Classification: Uncertain significance. Last evaluated: 2025-05-11. Review status: criteria provided, single submitter. Criteria: Ambry Variant Classification Scheme 2023. Collection method: clinical testing. Allele origin: germline.
Comment: The p.L347V variant (also known as c.1039C>G), located in coding exon 1 of the CDK12 gene, results from a C to G substitution at nucleotide position 1039. The leucine at codon 347 is replaced by valine, an amino acid with highly similar properties. This amino acid position is conserved. In addition, this alteration is predicted to be tolerated by in silico analysis. Based on the available evidence, the clinical significance of this variant remains unclear.

NM_016507.4(CDK12):c.1039C>G (p.Leu347Val)

Genes: CDK12 (cyclin dependent kinase 12; plus strand), LOC126862553 (CDK7 strongly-dependent group 2 enhancer GRCh37_chr17:37618166-37619365; plus strand). Cytogenetic location: 17q12.
Variant type: single nucleotide variant.
Coding change: c.1039C>G on transcript NM_016507.4 (MANE Select); coding-DNA position 1039, C replaced by G.
Protein change: p.Leu347Val; replaces leucine 347 with valine.
Molecular consequence: missense variant.
Genome position (GRCh38, 1-based): chr17:39,463,110, C>G. VCF-style: chr17-39463110-C-G. GRCh37 (hg19) VCF-style: chr17-37619363-C-G.
Other names: c.1039C>G, p.Leu347Val (NM_015083.4); short protein forms L347V.
Identifiers: ClinVar variation 3999448 (VCV003999448.1).
Genomic context (GRCh38, chr17:39,463,110, plus strand): 5'-TATGGTCGAAGGCGGTCCAGCAGCCCTTTCCTGAGCAAGCGGTCTCTGAGTCGGAGTCCA[C>G]TCCCCAGGTGAGCTATTTGTCTAACAGTCCTTCCTCATTTAGGGTGGGTTGCGAGGAATT-3'
Protein context (NP_057591.2, residues 337-357): LSKRSLSRSP[Leu347Val]PSRKSMKSRS